The following is an entry in ClinVar:

NM_181741.4(ORC4):c.256G>A (p.Glu86Lys)

Gene: ORC4 (origin recognition complex subunit 4; minus strand). Cytogenetic location: 2q23.1.
Variant type: single nucleotide variant.
Coding change: c.256G>A on transcript NM_181741.4 (MANE Select); coding-DNA position 256, G replaced by A.
Protein change: p.Glu86Lys; replaces glutamic acid 86 with lysine.
Molecular consequence: missense variant.
Genome position (GRCh38, 1-based): chr2:147,958,836, C>T on the plus strand (G>A on the coding strand, the complement: ORC4 is on the minus strand). VCF-style: chr2-147958836-C-T. GRCh37 (hg19) VCF-style: chr2-148716405-C-T.
Other names: c.256G>A, p.Glu86Lys (NM_001190879.3, NM_001374270.1, NM_002552.5 and 1 more transcripts); c.4G>A, p.Glu2Lys (NM_001190881.3, NM_001374272.1); c.34G>A, p.Glu12Lys (NM_001190882.3); short protein forms E2K, E86K, E12K.
Identifiers: ClinVar variation 1356393 (VCV001356393.6), dbSNP rs745332280, ClinGen allele CA1899674.

ClinVar aggregate classification (germline): Uncertain significance. Review status: criteria provided, multiple submitters, no conflicts (2 of 4 stars). 2 submissions from 2 submitters: Uncertain significance (2). Last evaluated 2024-07-30.

Conditions:
Inborn genetic diseases. Identifiers: MedGen C0950123, MeSH D030342.

Allele frequency attached by ClinVar (database versions not stated): gnomAD exomes 0.00001 and 0.00002; gnomAD 0.00002; TOPMed 0.00002; ExAC 0.00004.
gnomAD v4.1: 21 of 1,429,790 alleles (0.0015%); highest among the groups gnomAD compares: Non-Finnish European, 0.002%; no homozygotes.

Submissions (2):

Ambry Genetics
Classification: Uncertain significance for Inborn genetic diseases. Last evaluated: 2024-07-30. Review status: criteria provided, single submitter. Criteria: Ambry Variant Classification Scheme 2023. Collection method: clinical testing. Allele origin: germline.

Labcorp Genetics (formerly Invitae), Labcorp
Classification: Uncertain significance. Last evaluated: 2021-11-14. Review status: criteria provided, single submitter. Criteria: Invitae Variant Classification Sherloc (09022015). Collection method: clinical testing. Allele origin: germline.
Comment: This sequence change replaces glutamic acid, which is acidic and polar, with lysine, which is basic and polar, at codon 86 of the ORC4 protein (p.Glu86Lys). This variant is present in population databases (rs745332280, gnomAD 0.006%). This variant has not been reported in the literature in individuals affected with ORC4-related conditions. Algorithms developed to predict the effect of missense changes on protein structure and function (SIFT, PolyPhen-2, Align-GVGD) all suggest that this variant is likely to be tolerated. In summary, the available evidence is currently insufficient to determine the role of this variant in disease. Therefore, it has been classified as a Variant of Uncertain Significance.